The following is an entry in ClinVar:

ClinVar aggregate classification (germline): Uncertain significance (1 of 4 stars; one submission).

Conditions:
Congenital muscular hypertrophy-cerebral syndrome (CDLS2). Also called: Cornelia de Lange syndrome 2; SMC1A-Related Cornelia de Lange Syndrome. Identifiers: Orphanet 199, MedGen C1802395, MONDO:0010370, OMIM 300590.

Allele frequency attached by ClinVar (database versions not stated): gnomAD exomes below 0.00001.
gnomAD v4.1: 4 of 1,209,206 alleles (0.00033%); highest among the groups gnomAD compares: Non-Finnish European, 0.00045%; no homozygotes.

Submission:

Labcorp Genetics (formerly Invitae), Labcorp
Classification: Uncertain significance for Congenital muscular hypertrophy-cerebral syndrome. Last evaluated: 2023-07-10. Review status: criteria provided, single submitter. Criteria: Invitae Variant Classification Sherloc (09022015). Collection method: clinical testing. Allele origin: germline.
Comment: In summary, the available evidence is currently insufficient to determine the role of this variant in disease. Therefore, it has been classified as a Variant of Uncertain Significance. Advanced modeling of protein sequence and biophysical properties (such as structural, functional, and spatial information, amino acid conservation, physicochemical variation, residue mobility, and thermodynamic stability) performed at Invitae indicates that this missense variant is not expected to disrupt SMC1A protein function. ClinVar contains an entry for this variant (Variation ID: 1992219). This variant has not been reported in the literature in individuals affected with SMC1A-related conditions. This variant is not present in population databases (gnomAD no frequency). This sequence change replaces glycine, which is neutral and non-polar, with arginine, which is basic and polar, at codon 457 of the SMC1A protein (p.Gly457Arg).

NM_006306.4(SMC1A):c.1369G>C (p.Gly457Arg)

Gene: SMC1A (structural maintenance of chromosomes 1A; minus strand). Cytogenetic location: Xp11.22.
Variant type: single nucleotide variant.
Coding change: c.1369G>C on transcript NM_006306.4 (MANE Select); coding-DNA position 1369, G replaced by C.
Protein change: p.Gly457Arg; replaces glycine 457 with arginine.
Molecular consequence: missense variant.
Genome position (GRCh38, 1-based): chrX:53,409,238, C>G on the plus strand (G>C on the coding strand, the complement: SMC1A is on the minus strand). VCF-style: chrX-53409238-C-G. GRCh37 (hg19) VCF-style: chrX-53436169-C-G.
Other names: c.1303G>C, p.Gly435Arg (NM_001281463.1); short protein forms G435R, G457R.
Identifiers: ClinVar variation 1992219 (VCV001992219.4), dbSNP rs2520943336, ClinGen allele CA413255738.